The following is an entry in ClinVar:

ClinVar aggregate classification (germline): Conflicting classifications of pathogenicity. Review status: criteria provided, conflicting classifications (1 of 4 stars). 3 submissions from 3 submitters: Uncertain significance (2); Likely benign (1). Last evaluated 2025-12-01.

Conditions:
Inborn genetic diseases. Identifiers: MedGen C0950123, MeSH D030342.

gnomAD v4.1: 90 of 1,585,076 alleles (0.0057%); highest among the groups gnomAD compares: South Asian, 0.0092%; no homozygotes.

Submissions (3):

CeGaT Center for Human Genetics Tuebingen
Classification: Likely benign. Last evaluated: 2025-12-01. Review status: criteria provided, single submitter. Criteria: CeGaT Center For Human Genetics Tuebingen Variant Classification Criteria Version 2. Collection method: clinical testing. Allele origin: germline. Affected: yes. Observed: 1 variant allele.
Comment: BRD4: BP4, BS2

Labcorp Genetics (formerly Invitae), Labcorp
Classification: Uncertain significance. Last evaluated: 2024-06-25. Review status: criteria provided, single submitter. Criteria: Invitae Variant Classification Sherloc (09022015). Collection method: clinical testing. Allele origin: germline.
Comment: This sequence change replaces threonine, which is neutral and polar, with methionine, which is neutral and non-polar, at codon 249 of the BRD4 protein (p.Thr249Met). This variant is present in population databases (rs536634033, gnomAD 0.02%). This variant has not been reported in the literature in individuals affected with BRD4-related conditions. ClinVar contains an entry for this variant (Variation ID: 2466698). Experimental studies and prediction algorithms are not available or were not evaluated, and the functional significance of this variant is currently unknown. In summary, the available evidence is currently insufficient to determine the role of this variant in disease. Therefore, it has been classified as a Variant of Uncertain Significance.

Ambry Genetics
Classification: Uncertain significance for Inborn genetic diseases. Last evaluated: 2023-03-02. Review status: criteria provided, single submitter. Criteria: Ambry Variant Classification Scheme 2023. Collection method: clinical testing. Allele origin: germline.

NM_001379291.1(BRD4):c.746C>T (p.Thr249Met)

Gene: BRD4 (bromodomain containing 4; minus strand). Cytogenetic location: 19p13.12.
Variant type: single nucleotide variant.
Coding change: c.746C>T on transcript NM_001379291.1 (MANE Select); coding-DNA position 746, C replaced by T.
Protein change: p.Thr249Met; replaces threonine 249 with methionine.
Molecular consequence: missense variant.
Genome position (GRCh38, 1-based): chr19:15,265,457, G>A on the plus strand (C>T on the coding strand, the complement: BRD4 is on the minus strand). VCF-style: chr19-15265457-G-A. GRCh37 (hg19) VCF-style: chr19-15376268-G-A.
Other names: c.746C>T, p.Thr249Met (NM_001330384.2, NM_001379292.1, NM_014299.3 and 1 more transcripts); short protein forms T249M.
Identifiers: ClinVar variation 2466698 (VCV002466698.9), dbSNP rs536634033, ClinGen allele CA9265547.
Genomic context (GRCh38, chr19:15,265,457, plus strand): 5'-TGTACGGGCTGGGGAGCTGGAGCGGGTGGGGGTTGTGGCTGGGGGGGCACTGGCGGGGGC[G>A]TCTGCAGTGGCTGGGGAGGCACCACTGTCATGACAGGGGTCTGGACGATGAGGTCCGGGG-3'
Protein context (NP_001366220.1, residues 239-259): MTVVPPQPLQ[Thr249Met]PPPVPPQPQP